The following is an entry in ClinVar:

NM_000051.4(ATM):c.7399G>C (p.Val2467Leu)

Genes: ATM (ATM serine/threonine kinase; plus strand), C11orf65 (chromosome 11 open reading frame 65; minus strand). Cytogenetic location: 11q22.3.
Variant type: single nucleotide variant.
Coding change: c.7399G>C on transcript NM_000051.4 (MANE Select); coding-DNA position 7399, G replaced by C.
Protein change: p.Val2467Leu; replaces valine 2467 with leucine.
Molecular consequence: missense variant. On other transcripts: intron variant (2).
Genome position (GRCh38, 1-based): chr11:108,330,305, G>C. VCF-style: chr11-108330305-G-C. GRCh37 (hg19) VCF-style: chr11-108201032-G-C.
Other names: c.7399G>C, p.Val2467Leu (NM_001351834.2); c.641-21234C>G (NM_001330368.2); c.*38+4915C>G (NM_001351110.2); short protein forms V2467L.
Identifiers: ClinVar variation 2568182 (VCV002568182.2), dbSNP rs769722643, ClinGen allele CA382560097.

ClinVar aggregate classification (germline): Uncertain significance (1 of 4 stars; one submission).

Conditions:
Hereditary cancer-predisposing syndrome. Also called: Hereditary Cancer Syndrome; Hereditary neoplastic syndrome; Neoplastic Syndromes, Hereditary; Tumor predisposition. Identifiers: Orphanet 140162, MedGen C0027672, MeSH D009386, MONDO:0015356.

Submission:

Ambry Genetics
Classification: Uncertain significance for Hereditary cancer-predisposing syndrome. Last evaluated: 2023-04-03. Review status: criteria provided, single submitter. Criteria: Ambry Variant Classification Scheme 2023. Collection method: clinical testing. Allele origin: germline.
Comment: The p.V2467L variant (also known as c.7399G>C), located in coding exon 49 of the ATM gene, results from a G to C substitution at nucleotide position 7399. The valine at codon 2467 is replaced by leucine, an amino acid with highly similar properties. This amino acid position is conserved. In addition, the in silico prediction for this alteration is inconclusive. Since supporting evidence is limited at this time, the clinical significance of this alteration remains unclear.